The following is an entry in ClinVar:

NM_032043.3(BRIP1):c.838G>T (p.Asp280Tyr)

Gene: BRIP1 (BRCA1 interacting DNA helicase 1; minus strand). Cytogenetic location: 17q23.2.
Variant type: single nucleotide variant.
Coding change: c.838G>T on transcript NM_032043.3 (MANE Select); coding-DNA position 838, G replaced by T.
Protein change: p.Asp280Tyr; replaces aspartic acid 280 with tyrosine.
Molecular consequence: missense variant.
Genome position (GRCh38, 1-based): chr17:61,808,547, C>A on the plus strand (G>T on the coding strand, the complement: BRIP1 is on the minus strand). VCF-style: chr17-61808547-C-A. GRCh37 (hg19) VCF-style: chr17-59885908-C-A.
Other names: c.838G>T (NM_032043.2); short protein forms D280Y.
Identifiers: ClinVar variation 1047112 (VCV001047112.10), dbSNP rs2078109366, ClinGen allele CA400484809.

ClinVar aggregate classification (germline): Uncertain significance. Review status: criteria provided, multiple submitters, no conflicts (2 of 4 stars). 2 submissions from 2 submitters: Uncertain significance (2). Last evaluated 2026-04-08.

Conditions:
Hereditary cancer-predisposing syndrome. Also called: Hereditary neoplastic syndrome; Neoplastic Syndromes, Hereditary; Tumor predisposition; Hereditary Cancer Syndrome. Identifiers: Orphanet 140162, MedGen C0027672, MeSH D009386, MONDO:0015356.
Familial cancer of breast. Also called: BREAST CANCER, FAMILIAL; Hereditary breast cancer; hereditary breast carcinoma. Identifiers: Orphanet 227535, MedGen C0346153, MONDO:0016419, OMIM 114480. Disease mechanism: loss of function.
Fanconi anemia complementation group J. Also called: BRIP1-Related Fanconi Anemia. Identifiers: Orphanet 84, MedGen C1836860, MONDO:0012187, OMIM 609054.

Submissions (2):

Ambry Genetics
Classification: Uncertain significance for Hereditary cancer-predisposing syndrome. Last evaluated: 2026-04-08. Review status: criteria provided, single submitter. Criteria: Ambry Variant Classification Scheme 2023. Collection method: clinical testing. Allele origin: germline.
Comment: The p.D280Y variant (also known as c.838G>T), located in coding exon 6 of the BRIP1 gene, results from a G to T substitution at nucleotide position 838. The aspartic acid at codon 280 is replaced by tyrosine, an amino acid with highly dissimilar properties. This amino acid position is conserved. In addition, the in silico prediction for this alteration is inconclusive. Based on the available evidence, the clinical significance of this variant remains unclear.

Labcorp Genetics (formerly Invitae), Labcorp
Classification: Uncertain significance for Familial cancer of breast; Fanconi anemia complementation group J. Last evaluated: 2023-06-21. Review status: criteria provided, single submitter. Criteria: Invitae Variant Classification Sherloc (09022015). Collection method: clinical testing. Allele origin: germline.
Comment: This sequence change replaces aspartic acid, which is acidic and polar, with tyrosine, which is neutral and polar, at codon 280 of the BRIP1 protein (p.Asp280Tyr). This variant is not present in population databases (gnomAD no frequency). This variant has not been reported in the literature in individuals affected with BRIP1-related conditions. ClinVar contains an entry for this variant (Variation ID: 1047112). Advanced modeling of protein sequence and biophysical properties (such as structural, functional, and spatial information, amino acid conservation, physicochemical variation, residue mobility, and thermodynamic stability) has been performed at Invitae for this missense variant, however the output from this modeling did not meet the statistical confidence thresholds required to predict the impact of this variant on BRIP1 protein function. Algorithms developed to predict the effect of sequence changes on RNA splicing suggest that this variant may create or strengthen a splice site. In summary, the available evidence is currently insufficient to determine the role of this variant in disease. Therefore, it has been classified as a Variant of Uncertain Significance.